The following is an entry in ClinVar:

NM_138348.6(OTULIN):c.22C>T (p.Gln8Ter)

Gene: OTULIN (OTU deubiquitinase with linear linkage specificity; plus strand). Cytogenetic location: 5p15.2.
Variant type: single nucleotide variant.
Coding change: c.22C>T on transcript NM_138348.6 (MANE Select); coding-DNA position 22, C replaced by T.
Protein change: p.Gln8Ter; replaces glutamine 8 with a stop codon.
Molecular consequence: nonsense.
Genome position (GRCh38, 1-based): chr5:14,664,847, C>T. VCF-style: chr5-14664847-C-T. GRCh37 (hg19) VCF-style: chr5-14664956-C-T.
Other names: short protein forms Q8*.
Identifiers: ClinVar variation 1027708 (VCV001027708.2), dbSNP rs1735786455, ClinGen allele CA359242069.

ClinVar aggregate classification (germline): Pathogenic (1 of 4 stars; one submission).

Conditions:
Autoinflammation, panniculitis, and dermatosis syndrome, autosomal recessive (AIPDSB). Also called: OTULIN-RELATED AUTOINFLAMMATORY SYNDROME; OTULIPENIA. Identifiers: Orphanet 500062, MedGen C4310614, MONDO:0014912, OMIM 617099.

Allele frequency attached by ClinVar (database versions not stated): TOPMed below 0.00001.

Submission:

Baylor Genetics
Classification: Pathogenic for Autoinflammation, panniculitis, and dermatosis syndrome, autosomal recessive. Last evaluated: 2020-03-06. Review status: criteria provided, single submitter. Criteria: ACMG Guidelines, 2015. Collection method: clinical testing. Allele origin: unknown. Affected: yes.
Comment: This variant was determined to be pathogenic according to ACMG Guidelines, 2015 [PMID:25741868].